The following is an entry in ClinVar:

NM_001793.6(CDH3):c.298C>T (p.Arg100Cys)

Gene: CDH3 (cadherin 3; plus strand). Cytogenetic location: 16q22.1.
Variant type: single nucleotide variant.
Coding change: c.298C>T on transcript NM_001793.6 (MANE Select); coding-DNA position 298, C replaced by T.
Protein change: p.Arg100Cys; replaces arginine 100 with cysteine.
Molecular consequence: missense variant.
Genome position (GRCh38, 1-based): chr16:68,678,185, C>T. VCF-style: chr16-68678185-C-T. GRCh37 (hg19) VCF-style: chr16-68712088-C-T.
Other names: c.298C>T, p.Arg100Cys (NM_001317195.3); c.133C>T, p.Arg45Cys (NM_001317196.2); short protein forms R45C, R100C.
Identifiers: ClinVar variation 862168 (VCV000862168.9), dbSNP rs752024803, ClinGen allele CA396448636.

ClinVar aggregate classification (germline): Uncertain significance (1 of 4 stars; one submission).

Allele frequency attached by ClinVar (database versions not stated): TOPMed below 0.00001; gnomAD exomes 0.00001.
gnomAD v4.1: 22 of 1,613,568 alleles (0.0014%); highest among the groups gnomAD compares: East Asian, 0.0067%; no homozygotes.

Submission:

Labcorp Genetics (formerly Invitae), Labcorp
Classification: Uncertain significance. Last evaluated: 2022-03-10. Review status: criteria provided, single submitter. Criteria: Invitae Variant Classification Sherloc (09022015). Collection method: clinical testing. Allele origin: germline.
Comment: In summary, the available evidence is currently insufficient to determine the role of this variant in disease. Therefore, it has been classified as a Variant of Uncertain Significance. Algorithms developed to predict the effect of missense changes on protein structure and function are either unavailable or do not agree on the potential impact of this missense change (SIFT: "Not Available"; PolyPhen-2: "Possibly Damaging"; Align-GVGD: "Not Available"). ClinVar contains an entry for this variant (Variation ID: 862168). This variant has not been reported in the literature in individuals affected with CDH3-related conditions. This variant is not present in population databases (gnomAD no frequency). This sequence change replaces arginine, which is basic and polar, with cysteine, which is neutral and slightly polar, at codon 100 of the CDH3 protein (p.Arg100Cys).